The following is an entry in ClinVar:

NM_000057.4(BLM):c.781C>T (p.His261Tyr)

Gene: BLM (BLM RecQ like helicase; plus strand). Cytogenetic location: 15q26.1.
Variant type: single nucleotide variant.
Coding change: c.781C>T on transcript NM_000057.4 (MANE Select); coding-DNA position 781, C replaced by T.
Protein change: p.His261Tyr; replaces histidine 261 with tyrosine.
Molecular consequence: missense variant. On other transcripts: 5 prime UTR variant (1).
Genome position (GRCh38, 1-based): chr15:90,750,049, C>T. VCF-style: chr15-90750049-C-T. GRCh37 (hg19) VCF-style: chr15-91293279-C-T.
Other names: c.781C>T (NM_000057.2); c.781C>T, p.His261Tyr (NM_001287246.2, NM_001287247.2); c.-511C>T (NM_001287248.2); short protein forms H261Y.
Identifiers: ClinVar variation 951499 (VCV000951499.8), dbSNP rs1895640326, ClinGen allele CA393841549.
Genomic context (GRCh38, chr15:90,750,049, plus strand): 5'-GGCCCCATTGCTGAAGTGCATATAAATGAAGATGCTCAGGAAAGTGACTCTCTGAAAACT[C>T]ATTTGGAAGATGAAAGAGGTAACAATTATTTTATCTTCATTTTAGTATGTTCATTGTACT-3'
Protein context (NP_000048.1, residues 251-271): DAQESDSLKT[His261Tyr]LEDERDNSEK

ClinVar aggregate classification (germline): Uncertain significance. Review status: criteria provided, multiple submitters, no conflicts (2 of 4 stars). 2 submissions from 2 submitters: Uncertain significance (2). Last evaluated 2024-10-05.

Conditions:
Bloom syndrome (BLM). Also called: Bloom-Torre-Machacek syndrome. Identifiers: Orphanet 125, MedGen C0005859, MONDO:0008876, OMIM 210900.
Hereditary cancer-predisposing syndrome. Also called: Tumor predisposition; Hereditary neoplastic syndrome; Neoplastic Syndromes, Hereditary; Hereditary Cancer Syndrome. Identifiers: Orphanet 140162, MedGen C0027672, MeSH D009386, MONDO:0015356.

Allele frequency attached by ClinVar (database versions not stated): gnomAD exomes below 0.00001.

Submissions (2):

Ambry Genetics
Classification: Uncertain significance for Hereditary cancer-predisposing syndrome. Last evaluated: 2024-10-05. Review status: criteria provided, single submitter. Criteria: Ambry Variant Classification Scheme 2023. Collection method: clinical testing. Allele origin: germline.
Comment: The p.H261Y variant (also known as c.781C>T), located in coding exon 2 of the BLM gene, results from a C to T substitution at nucleotide position 781. The histidine at codon 261 is replaced by tyrosine, an amino acid with similar properties. This amino acid position is conserved. In addition, this alteration is predicted to be tolerated by in silico analysis. Based on the available evidence, the clinical significance of this variant remains unclear.

Labcorp Genetics (formerly Invitae), Labcorp
Classification: Uncertain significance for Bloom syndrome. Last evaluated: 2022-02-21. Review status: criteria provided, single submitter. Criteria: Invitae Variant Classification Sherloc (09022015). Collection method: clinical testing. Allele origin: germline.
Comment: This sequence change replaces histidine, which is basic and polar, with tyrosine, which is neutral and polar, at codon 261 of the BLM protein (p.His261Tyr). This variant is not present in population databases (gnomAD no frequency). This variant has not been reported in the literature in individuals affected with BLM-related conditions. ClinVar contains an entry for this variant (Variation ID: 951499). Algorithms developed to predict the effect of missense changes on protein structure and function are either unavailable or do not agree on the potential impact of this missense change (SIFT: "Tolerated"; PolyPhen-2: "Possibly Damaging"; Align-GVGD: "Class C0"). In summary, the available evidence is currently insufficient to determine the role of this variant in disease. Therefore, it has been classified as a Variant of Uncertain Significance.